The following is an entry in ClinVar:

ClinVar aggregate classification (germline): Uncertain significance. Review status: criteria provided, multiple submitters, no conflicts (2 of 4 stars). 2 submissions from 2 submitters: Uncertain significance (2). Last evaluated 2024-10-10.

Submissions (2):

Labcorp Genetics (formerly Invitae), Labcorp
Classification: Uncertain significance. Last evaluated: 2024-10-10. Review status: criteria provided, single submitter. Criteria: Invitae Variant Classification Sherloc (09022015). Collection method: clinical testing. Allele origin: germline.
Comment: This variant, c.5066_5068del, results in the deletion of 1 amino acid(s) of the MYH14 protein (p.Phe1689del), but otherwise preserves the integrity of the reading frame. This variant is present in population databases (no rsID available, gnomAD 0.005%). This variant has not been reported in the literature in individuals affected with MYH14-related conditions. Experimental studies and prediction algorithms are not available or were not evaluated, and the functional significance of this variant is currently unknown. In summary, the available evidence is currently insufficient to determine the role of this variant in disease. Therefore, it has been classified as a Variant of Uncertain Significance.

Blueprint Genetics
Classification: Uncertain significance. Last evaluated: 2020-01-21. Review status: criteria provided, single submitter. Criteria: ACMG Guidelines, 2015. Collection method: clinical testing. Allele origin: germline.

NM_001145809.2(MYH14):c.5186TCT[1] (p.Phe1730del)

Gene: MYH14 (myosin heavy chain 14; plus strand). Cytogenetic location: 19q13.33.
Variant type: Microsatellite.
Coding change: c.5186TCT[1] on transcript NM_001145809.2 (MANE Select); one copy of the 3-base unit TCT starting at c.5186; the reference has two copies in a row; one copy, 3 bases deleted.
Protein change: p.Phe1730del; deletes phenylalanine 1730.
Genome position (GRCh38, 1-based): chr19:50,292,322-50,292,324, TCT deleted; deleting any 3 consecutive bases within chr19:50,292,319-50,292,324 gives the same sequence; the position shown is the placement nearest the transcript's 3' end. VCF-style (leftmost placement, unchanged base first): chr19-50292318-ATCT-A. GRCh37 (hg19) VCF-style: chr19-50795575-ATCT-A.
Other names: c.5087TCT[1], p.Phe1697del (NM_001077186.2); c.5063TCT[1], p.Phe1689del (NM_024729.4); short protein forms F1689del, F1730del, F1697del.
Identifiers: ClinVar variation 3701639 (VCV003701639.3).